The following is an entry in ClinVar:

ClinVar aggregate classification (germline): Uncertain significance (1 of 4 stars; one submission).

Conditions:
VPS33B-related disorder. Also called: VPS33B-related condition.

gnomAD v4.1: 2 of 1,613,502 alleles (0.00012%); highest among the groups gnomAD compares: Non-Finnish European, 0.00017%; no homozygotes.

Submission:

PreventionGenetics, part of Exact Sciences
Classification: Uncertain significance for VPS33B-related condition. Last evaluated: 2025-10-14. Review status: criteria provided, single submitter. Criteria: ACMG Guidelines, 2015. Collection method: clinical testing. Allele origin: germline.
Comment: The VPS33B c.1470G>C variant is predicted to result in the amino acid substitution p.Lys490Asn. To our knowledge, this variant has not been reported in the literature or in a large population database (gnomAD), indicating this variant is rare. At this time, the clinical significance of this variant is uncertain due to the absence of conclusive functional and genetic evidence.

NM_018668.5(VPS33B):c.1470G>C (p.Lys490Asn)

Gene: VPS33B (VPS33B late endosome and lysosome associated; minus strand). Cytogenetic location: 15q26.1.
Variant type: single nucleotide variant.
Coding change: c.1470G>C on transcript NM_018668.5 (MANE Select); coding-DNA position 1470, G replaced by C.
Protein change: p.Lys490Asn; replaces lysine 490 with asparagine.
Molecular consequence: missense variant.
Genome position (GRCh38, 1-based): chr15:91,001,398, C>G on the plus strand (G>C on the coding strand, the complement: VPS33B is on the minus strand). VCF-style: chr15-91001398-C-G. GRCh37 (hg19) VCF-style: chr15-91544628-C-G.
Other names: c.1389G>C, p.Lys463Asn (NM_001289148.1); c.1197G>C, p.Lys399Asn (NM_001289149.1); short protein forms K399N, K463N, K490N.
Identifiers: ClinVar variation 4992165 (VCV004992165.1).